The following is an entry in ClinVar:

NM_052989.3(IFT122):c.938G>A (p.Arg313Gln)

Gene: IFT122 (intraflagellar transport 122; plus strand). Cytogenetic location: 3q21.3.
Variant type: single nucleotide variant.
Coding change: c.938G>A on transcript NM_052989.3 (MANE Select); coding-DNA position 938, G replaced by A.
Protein change: p.Arg313Gln; replaces arginine 313 with glutamine.
Molecular consequence: missense variant.
Genome position (GRCh38, 1-based): chr3:129,476,436, G>A. VCF-style: chr3-129476436-G-A. GRCh37 (hg19) VCF-style: chr3-129195279-G-A.
Other names: c.1091G>A (NM_052985.2); c.914G>A, p.Arg305Gln (NM_001280541.2); c.488G>A, p.Arg163Gln (NM_001280545.2); c.311G>A, p.Arg104Gln (NM_001280546.2); c.761G>A, p.Arg254Gln (NM_018262.4); c.1091G>A, p.Arg364Gln (NM_052985.4); c.605G>A, p.Arg202Gln (NM_052990.3); short protein forms R364Q, R254Q, R313Q, R163Q, R104Q, R305Q, R202Q.
Identifiers: ClinVar variation 343236 (VCV000343236.11), dbSNP rs376018883, ClinGen allele CA2606029.

ClinVar aggregate classification (germline): Uncertain significance. Review status: criteria provided, multiple submitters, no conflicts (2 of 4 stars). 4 submissions from 4 submitters: Uncertain significance (4). Last evaluated 2026-08-13.

Conditions:
Inborn genetic diseases. Identifiers: MedGen C0950123, MeSH D030342.
Cranioectodermal dysplasia 1 (CED1). Also called: LEVIN SYNDROME I. Identifiers: Orphanet 1515, MedGen C0432235, MONDO:0021093, OMIM 218330.

Allele frequency attached by ClinVar (database versions not stated): ExAC 0.00007; TOPMed 0.00010; gnomAD 0.00007 and 0.00008; 1000 Genomes Project 30x 0.00016; 1000 Genomes Project 0.00020; gnomAD exomes 0.00002 and 0.00007.
gnomAD v4.1: 43 of 1,614,128 alleles (0.0027%); highest among the groups gnomAD compares: Admixed American, 0.02%; no homozygotes.

Submissions (4):

Ambry Genetics
Classification: Uncertain significance for Inborn genetic diseases. Last evaluated: 2026-08-13. Review status: criteria provided, single submitter. Criteria: Ambry Variant Classification Scheme 2023. Collection method: clinical testing. Allele origin: germline.

Fulgent Genetics
Classification: Uncertain significance for Cranioectodermal dysplasia 1. Last evaluated: 2024-05-02. Review status: criteria provided, single submitter. Criteria: ACMG Guidelines, 2015. Collection method: clinical testing. Allele origin: germline.

Labcorp Genetics (formerly Invitae), Labcorp
Classification: Uncertain significance for Cranioectodermal dysplasia 1. Last evaluated: 2021-12-03. Review status: criteria provided, single submitter. Criteria: Invitae Variant Classification Sherloc (09022015). Collection method: clinical testing. Allele origin: germline.
Comment: This sequence change replaces arginine, which is basic and polar, with glutamine, which is neutral and polar, at codon 364 of the IFT122 protein (p.Arg364Gln). This variant is present in population databases (rs376018883, gnomAD 0.05%). This variant has not been reported in the literature in individuals affected with IFT122-related conditions. ClinVar contains an entry for this variant (Variation ID: 343236). Algorithms developed to predict the effect of missense changes on protein structure and function output the following: SIFT: "Tolerated"; PolyPhen-2: "Benign"; Align-GVGD: "Class C0". The glutamine amino acid residue is found in multiple mammalian species, which suggests that this missense change does not adversely affect protein function. In summary, the available evidence is currently insufficient to determine the role of this variant in disease. Therefore, it has been classified as a Variant of Uncertain Significance.

Illumina Laboratory Services, Illumina
Classification: Uncertain significance for Cranioectodermal dysplasia 1. Last evaluated: 2018-01-12. Review status: criteria provided, single submitter. Criteria: ICSL Variant Classification Criteria 13 December 2019. Collection method: clinical testing. Allele origin: germline.